The following is an entry in ClinVar:

ClinVar aggregate classification (germline): Conflicting classifications of pathogenicity. Review status: criteria provided, conflicting classifications (1 of 4 stars). 3 submissions from 3 submitters: Uncertain significance (1); Likely benign (1). 1 of the submissions does not count toward it. Last evaluated 2024-02-29.

Conditions:
PKHD1-related disorder. Also called: PKHD1-related condition.
Autosomal recessive polycystic kidney disease (ARPKD). Also called: AR polycystic kidney disease. Identifiers: Orphanet 731, Orphanet 8378, MedGen C0085548, MeSH D017044, MONDO:0009889.

Allele frequency attached by ClinVar (database versions not stated): gnomAD exomes 0.00001 and 0.00002; ExAC 0.00003; TOPMed 0.00004; gnomAD 0.00007 and 0.00009.
gnomAD v4.1: 21 of 1,613,298 alleles (0.0013%); highest among the groups gnomAD compares: African/African-American, 0.028%; no homozygotes.

Submissions (3):

Labcorp Genetics (formerly Invitae), Labcorp
Classification: Likely benign for Autosomal recessive polycystic kidney disease. Last evaluated: 2024-02-29. Review status: criteria provided, single submitter. Criteria: Invitae Variant Classification Sherloc (09022015). Collection method: clinical testing. Allele origin: germline.

Eurofins Ntd Llc (ga)
Classification: Uncertain significance. Last evaluated: 2018-02-06. Review status: criteria provided, single submitter. Criteria: EGL Classification Definitions 2015. Collection method: clinical testing. Allele origin: germline. Observed: 1 variant allele, 1 heterozygote.

PreventionGenetics, part of Exact Sciences
Classification: Likely benign for PKHD1-related condition. Last evaluated: 2022-10-20. Review status: no assertion criteria provided. Collection method: clinical testing. Allele origin: germline. Not counted in ClinVar's aggregate classification.
Comment: This variant is classified as likely benign based on ACMG/AMP sequence variant interpretation guidelines (Richards et al. 2015 PMID: 25741868, with internal and published modifications).

NM_138694.4(PKHD1):c.8364C>T (p.Thr2788=)

Gene: PKHD1 (PKHD1 ciliary IPT domain containing fibrocystin/polyductin; minus strand). Cytogenetic location: 6p12.3.
Variant type: single nucleotide variant.
Coding change: c.8364C>T on transcript NM_138694.4 (MANE Select); coding-DNA position 8364, C replaced by T.
Protein change: p.Thr2788=; no amino-acid change (threonine 2788 retained).
Molecular consequence: synonymous variant.
Genome position (GRCh38, 1-based): chr6:51,791,312, G>A on the plus strand (C>T on the coding strand, the complement: PKHD1 is on the minus strand). VCF-style: chr6-51791312-G-A. GRCh37 (hg19) VCF-style: chr6-51656110-G-A.
Other names: c.8364C>T (NM_138694.3); c.8364C>T, p.Thr2788= (NM_170724.3).
Identifiers: ClinVar variation 596036 (VCV000596036.15), dbSNP rs777017196, ClinGen allele CA3851654.